The following is an entry in ClinVar:

NM_001365276.2(TNXB):c.9550C>A (p.Leu3184Ile)

Gene: TNXB (tenascin XB; minus strand). Cytogenetic location: 6p21.33.
Variant type: single nucleotide variant.
Coding change: c.9550C>A on transcript NM_001365276.2 (MANE Select); coding-DNA position 9550, C replaced by A.
Protein change: p.Leu3184Ile; replaces leucine 3184 with isoleucine.
Molecular consequence: missense variant.
Genome position (GRCh38, 1-based): chr6:32,049,477, G>T on the plus strand (C>A on the coding strand, the complement: TNXB is on the minus strand). VCF-style: chr6-32049477-G-T. GRCh37 (hg19) VCF-style: chr6-32017254-G-T.
Other names: c.9544C>A, p.Leu3182Ile (NM_019105.8); short protein forms L3184I, L3182I.
Identifiers: ClinVar variation 1767319 (VCV001767319.2), dbSNP rs890412799, ClinGen allele CA136900656.

ClinVar aggregate classification (germline): Uncertain significance (1 of 4 stars; one submission).

Conditions:
Cardiovascular phenotype. Identifiers: MedGen CN230736.

Allele frequency attached by ClinVar (database versions not stated): gnomAD 0.00001; TOPMed 0.00001.
gnomAD v4.1: 2 of 1,612,566 alleles (0.00012%); highest among the groups gnomAD compares: African/African-American, 0.0027%; no homozygotes.

Submission:

Ambry Genetics
Classification: Uncertain significance for Cardiovascular phenotype. Last evaluated: 2021-09-26. Review status: criteria provided, single submitter. Criteria: Ambry Variant Classification Scheme 2023. Collection method: clinical testing. Allele origin: germline.
Comment: The p.L3182I variant (also known as c.9544C>A), located in coding exon 27 of the TNXB gene, results from a C to A substitution at nucleotide position 9544. The leucine at codon 3182 is replaced by isoleucine, an amino acid with highly similar properties. This amino acid position is conserved. In addition, this alteration is predicted to be tolerated by in silico analysis. Since supporting evidence is limited at this time, the clinical significance of this alteration remains unclear.